The following is an entry in ClinVar:

NM_000180.4(GUCY2D):c.2412G>T (p.Leu804=)

Gene: GUCY2D (guanylate cyclase 2D, retinal; plus strand). Cytogenetic location: 17p13.1.
Variant type: single nucleotide variant.
Coding change: c.2412G>T on transcript NM_000180.4 (MANE Select); coding-DNA position 2412, G replaced by T.
Protein change: p.Leu804=; no amino-acid change (leucine 804 retained).
Molecular consequence: synonymous variant.
Genome position (GRCh38, 1-based): chr17:8,014,028, G>T. VCF-style: chr17-8014028-G-T. GRCh37 (hg19) VCF-style: chr17-7917346-G-T.
Identifiers: ClinVar variation 2071824 (VCV002071824.5), dbSNP rs1235779490, ClinGen allele CA497752458.

ClinVar aggregate classification (germline): Uncertain significance. Review status: criteria provided, multiple submitters, no conflicts (2 of 4 stars). 2 submissions from 2 submitters: Uncertain significance (2). Last evaluated 2024-02-22.

Conditions:
Leber congenital amaurosis 1 (LCA1). Also called: AMAUROSIS CONGENITA OF LEBER I; Congenital absence of the rods and cones; Leber's congenital tapetoretinal degeneration; Leber's congenital tapetoretinal dysplasia; RETINAL BLINDNESS, CONGENITAL. Identifiers: Orphanet 65, MedGen C2931258, MONDO:0008764, OMIM 204000.
Cone-rod dystrophy 6 (CORD6). Also called: RETINAL CONE DYSTROPHY 2; Cone dystrophy progressive. Identifiers: Orphanet 1872, MedGen C1866293, MONDO:0011143, OMIM 601777.

Allele frequency attached by ClinVar (database versions not stated): gnomAD 0.00001; TOPMed 0.00001.
gnomAD v4.1: 2 of 1,612,350 alleles (0.00012%); highest among the groups gnomAD compares: Non-Finnish European, 0.00017%; no homozygotes.

Submissions (2):

Labcorp Genetics (formerly Invitae), Labcorp
Classification: Uncertain significance for Leber congenital amaurosis 1; Cone-rod dystrophy 6. Last evaluated: 2024-02-22. Review status: criteria provided, single submitter. Criteria: Invitae Variant Classification Sherloc (09022015). Collection method: clinical testing. Allele origin: germline.
Comment: This sequence change affects codon 804 of the GUCY2D mRNA. It is a 'silent' change, meaning that it does not change the encoded amino acid sequence of the GUCY2D protein. This variant also falls at the last nucleotide of exon 12, which is part of the consensus splice site for this exon. This variant is not present in population databases (gnomAD no frequency). This variant has not been reported in the literature in individuals affected with GUCY2D-related conditions. ClinVar contains an entry for this variant (Variation ID: 2071824). Variants that disrupt the consensus splice site are a relatively common cause of aberrant splicing (PMID: 17576681, 9536098). Algorithms developed to predict the effect of sequence changes on RNA splicing suggest that this variant may disrupt the consensus splice site. In summary, the available evidence is currently insufficient to determine the role of this variant in disease. Therefore, it has been classified as a Variant of Uncertain Significance.

Blueprint Genetics
Classification: Uncertain significance. Last evaluated: 2021-03-26. Review status: criteria provided, single submitter. Criteria: ACMG Guidelines, 2015. Collection method: clinical testing. Allele origin: germline.

Literature cited by the submitters: PubMed 17576681 (cited by Labcorp Genetics (formerly Invitae), Labcorp); PubMed 9536098 (cited by Labcorp Genetics (formerly Invitae), Labcorp).